The following is an entry in ClinVar:

ClinVar aggregate classification (germline): Uncertain significance (1 of 4 stars; one submission).

gnomAD v4.1: 1 of 1,610,300 alleles (0.000062%); highest among the groups gnomAD compares: Non-Finnish European, 0.000085%; no homozygotes.

Submission:

Labcorp Genetics (formerly Invitae), Labcorp
Classification: Uncertain significance. Last evaluated: 2026-01-24. Review status: criteria provided, single submitter. Criteria: Invitae Variant Classification Sherloc (09022015). Collection method: clinical testing. Allele origin: germline.
Comment: This sequence change replaces alanine, which is neutral and non-polar, with threonine, which is neutral and polar, at codon 346 of the KMT2E protein (p.Ala346Thr). This variant is not present in population databases (gnomAD no frequency). This variant has not been reported in the literature in individuals affected with KMT2E-related conditions. Invitae Evidence Modeling of protein sequence and biophysical properties (such as structural, functional, and spatial information, amino acid conservation, physicochemical variation, residue mobility, and thermodynamic stability) indicates that this missense variant is not expected to disrupt KMT2E protein function with a negative predictive value of 80%. In summary, the available evidence is currently insufficient to determine the role of this variant in disease. Therefore, it has been classified as a Variant of Uncertain Significance.

NM_182931.3(KMT2E):c.1036G>A (p.Ala346Thr)

Gene: KMT2E (lysine methyltransferase 2E (inactive); plus strand). Cytogenetic location: 7q22.3.
Variant type: single nucleotide variant.
Coding change: c.1036G>A on transcript NM_182931.3 (MANE Select); coding-DNA position 1036, G replaced by A.
Protein change: p.Ala346Thr; replaces alanine 346 with threonine.
Molecular consequence: missense variant.
Genome position (GRCh38, 1-based): chr7:105,077,339, G>A. VCF-style: chr7-105077339-G-A. GRCh37 (hg19) VCF-style: chr7-104717786-G-A.
Other names: c.1036G>A, p.Ala346Thr (NM_001410908.1, NM_018682.4); short protein forms A346T.
Identifiers: ClinVar variation 4773767 (VCV004773767.1).
Genomic context (GRCh38, chr7:105,077,339, plus strand): 5'-TCTCAACATTTACTCTGATTTTAGAGCCATATACAAAAGAATAAGAAAATTCTTAAATCT[G>A]CAAAAGATTTGCCTCCTGATGCACTTATCATTGAATACAGAGGGAAGTTTATGCTGAGAG-3'
Protein context (NP_891847.1, residues 336-356): IQKNKKILKS[Ala346Thr]KDLPPDALII